The following is an entry in ClinVar:

ClinVar aggregate classification (germline): Uncertain significance (1 of 4 stars; one submission).

Conditions:
Hereditary pancreatitis (PCTT). Also called: Hereditary chronic pancreatitis; PRSS1-Related Hereditary Pancreatitis. Identifiers: Orphanet 676, MedGen C0238339, MONDO:0008185, OMIM 167800.

Submission:

Ambry Genetics
Classification: Uncertain significance for Hereditary pancreatitis. Last evaluated: 2024-06-13. Review status: criteria provided, single submitter. Criteria: Ambry Variant Classification Scheme 2023. Collection method: clinical testing. Allele origin: germline.
Comment: The p.M104I variant (also known as c.312G>T), located in coding exon 3 of the CPA1 gene, results from a G to T substitution at nucleotide position 312. The methionine at codon 104 is replaced by isoleucine, an amino acid with highly similar properties. This amino acid position is conserved. In addition, this alteration is predicted to be tolerated by in silico analysis. Based on the available evidence, the clinical significance of this variant remains unclear.

NM_001868.4(CPA1):c.312G>T (p.Met104Ile)

Gene: CPA1 (carboxypeptidase A1; plus strand). Cytogenetic location: 7q32.2.
Variant type: single nucleotide variant.
Coding change: c.312G>T on transcript NM_001868.4 (MANE Select); coding-DNA position 312, G replaced by T.
Protein change: p.Met104Ile; replaces methionine 104 with isoleucine.
Molecular consequence: missense variant.
Genome position (GRCh38, 1-based): chr7:130,381,794, G>T. VCF-style: chr7-130381794-G-T. GRCh37 (hg19) VCF-style: chr7-130021635-G-T.
Other names: short protein forms M104I.
Identifiers: ClinVar variation 3269102 (VCV003269102.1).